The following is an entry in ClinVar:

ClinVar aggregate classification (germline): Uncertain significance (1 of 4 stars; one submission).

gnomAD v4.1: 2 of 1,158,592 alleles (0.00017%); highest among the groups gnomAD compares: South Asian, 0.002%; no homozygotes.

Submission:

GeneDx
Classification: Uncertain significance. Last evaluated: 2024-09-19. Review status: criteria provided, single submitter. Criteria: GeneDx Variant Classification Process June 2021. Collection method: clinical testing. Allele origin: germline. Affected: yes.
Comment: Not observed at significant frequency in large population cohorts (gnomAD); In silico analysis supports that this missense variant has a deleterious effect on protein structure/function; Has not been previously published as pathogenic or benign to our knowledge

NM_201599.3(ZMYM3):c.2470C>G (p.Pro824Ala)

Gene: ZMYM3 (zinc finger MYM-type containing 3; minus strand). Cytogenetic location: Xq13.1.
Variant type: single nucleotide variant.
Coding change: c.2470C>G on transcript NM_201599.3 (MANE Select); coding-DNA position 2470, C replaced by G.
Protein change: p.Pro824Ala; replaces proline 824 with alanine.
Molecular consequence: missense variant.
Genome position (GRCh38, 1-based): chrX:71,246,455, G>C on the plus strand (C>G on the coding strand, the complement: ZMYM3 is on the minus strand). VCF-style: chrX-71246455-G-C. GRCh37 (hg19) VCF-style: chrX-70466305-G-C.
Other names: c.2434C>G, p.Pro812Ala (NM_001171162.1); c.2470C>G, p.Pro824Ala (NM_005096.3); short protein forms P812A, P824A.
Identifiers: ClinVar variation 3774007 (VCV003774007.1).